The following is an entry in ClinVar:

ClinVar aggregate classification (germline): Conflicting classifications of pathogenicity. Review status: criteria provided, conflicting classifications (1 of 4 stars). 3 submissions from 3 submitters: Uncertain significance (1); Likely benign (1). 1 of the submissions does not count toward it. Last evaluated 2026-01-24.

Conditions:
Isovaleryl-CoA dehydrogenase deficiency (IVA). Also called: Classic Isovaleric Acidemia; IVD DEFICIENCY; Isovaleric acidemia; ISOVALERIC ACID CoA DEHYDROGENASE DEFICIENCY. Identifiers: Orphanet 33, MedGen C0268575, MONDO:0009475, OMIM 243500.

Allele frequency attached by ClinVar (database versions not stated): gnomAD exomes 0.00007 and 0.00018; ExAC 0.00017; gnomAD 0.00076 and 0.00078; ESP Exome Variant Server 0.00077; TOPMed 0.00083; 1000 Genomes Project 0.00120; 1000 Genomes Project 30x 0.00156.
gnomAD v4.1: 220 of 1,614,002 alleles (0.014%); highest among the groups gnomAD compares: African/African-American, 0.27%; 1 homozygote.

Submissions (3):

Labcorp Genetics (formerly Invitae), Labcorp
Classification: Likely benign for Isovaleryl-CoA dehydrogenase deficiency. Last evaluated: 2026-01-24. Review status: criteria provided, single submitter. Criteria: Invitae Variant Classification Sherloc (09022015). Collection method: clinical testing. Allele origin: germline.

GeneDx
Classification: Uncertain significance. Last evaluated: 2025-08-12. Review status: criteria provided, single submitter. Criteria: GeneDx Variant Classification Process June 2021. Collection method: clinical testing. Allele origin: germline. Affected: yes.
Comment: In silico analysis suggests that this variant does not alter splicing; Has not been previously published as pathogenic or benign to our knowledge

Natera, Inc.
Classification: Likely benign for Isovaleryl-coa dehydrogenase deficiency. Last evaluated: 2020-04-16. Review status: no assertion criteria provided. Collection method: clinical testing. Allele origin: germline. Not counted in ClinVar's aggregate classification.

NM_002225.5(IVD):c.228C>T (p.Asn76=)

Gene: IVD (isovaleryl-CoA dehydrogenase; plus strand). Cytogenetic location: 15q15.1.
Variant type: single nucleotide variant.
Coding change: c.228C>T on transcript NM_002225.5 (MANE Select); coding-DNA position 228, C replaced by T.
Protein change: p.Asn76=; no amino-acid change (asparagine 76 retained).
Molecular consequence: synonymous variant. On other transcripts: non-coding transcript variant (1), intron variant (1).
Genome position (GRCh38, 1-based): chr15:40,407,719, C>T. VCF-style: chr15-40407719-C-T. GRCh37 (hg19) VCF-style: chr15-40699920-C-T.
Other names: c.180C>T, p.Asn60= (NM_001354597.3); c.228C>T, p.Asn76= (NM_001354598.3, NM_001354599.3, NM_001354600.3 and 1 more transcripts); c.145-220C>T (NM_001159508.3).
Identifiers: ClinVar variation 488861 (VCV000488861.14), dbSNP rs140098686, ClinGen allele CA7480532.
Genomic context (GRCh38, chr15:40,407,719, plus strand): 5'-CCTTCAGGAGCACCTGGCCCCCAAGGCCCAGGAGATCGATCGCAGCAATGAGTTCAAGAA[C>T]CTGCGAGTGAGTTGGGAGGTCCGGGCAGTCGGGGGCAGTCAGGGAGTGGGGCTGAGCTGC-3'
Protein context (NP_002216.3, residues 66-86): QEIDRSNEFK[Asn76=]LREFWKQLGN